The following is an entry in ClinVar:

NM_138694.4(PKHD1):c.7159_7160del (p.Thr2387fs)

Gene: PKHD1 (PKHD1 ciliary IPT domain containing fibrocystin/polyductin; minus strand). Cytogenetic location: 6p12.2.
Variant type: Deletion.
Coding change: c.7159_7160del on transcript NM_138694.4 (MANE Select); coding-DNA positions 7159 to 7160, 2 bases deleted (AC; older notation c.7159_7160delAC).
Protein change: p.Thr2387fs; shifts the reading frame from threonine 2387.
Molecular consequence: frameshift variant.
Genome position (GRCh38, 1-based): chr6:51,885,922-51,885,923, GT deleted on the plus strand (AC on the coding strand, the reverse complement: PKHD1 is on the minus strand); deleting any 2 consecutive bases within chr6:51,885,922-51,885,924 gives the same sequence; the c. name uses the placement nearest the transcript's 3' end. VCF-style (leftmost placement, unchanged base first): chr6-51885921-AGT-A. GRCh37 (hg19) VCF-style: chr6-51750719-AGT-A.
Other names: c.7159_7160del, p.Thr2387fs (NM_170724.3); short protein forms T2387fs.
Identifiers: ClinVar variation 1724776 (VCV001724776.2), dbSNP rs2536226192, ClinGen allele CA2580075476.

ClinVar aggregate classification (germline): Likely pathogenic (1 of 4 stars; one submission).

Conditions:
Polycystic kidney disease 4 (PKD4). Also called: POLYCYSTIC KIDNEY AND HEPATIC DISEASE 1; POLYCYSTIC KIDNEY DISEASE, INFANTILE, TYPE I; POLYCYSTIC KIDNEY DISEASE 4 WITH OR WITHOUT POLYCYSTIC LIVER DISEASE; PKD3; Autosomal Recessive Polycystic Kidney Disease – PKHD1. Identifiers: MedGen C4540575, MONDO:0033004, OMIM 263200.

Submission:

Myriad Genetics, Inc.
Classification: Likely pathogenic for Polycystic kidney disease 4. Last evaluated: 2022-02-25. Review status: criteria provided, single submitter. Criteria: Myriad Women's Health Autosomal Recessive and X-Linked Classification Criteria (2021). Collection method: clinical testing. Allele origin: unknown.
Comment: NM_138694.3(PKHD1):c.7159_7160delAC(T2387Wfs*21) is expected to be pathogenic in the context of autosomal recessive polycystic kidney disease, PKHD1-related. This variant is predicted to lead to an abnormal or absent protein product due to the creation of a premature termination codon in PKHD1, a gene where loss-of-function variants are known to be pathogenic. Please note: this variant was assessed in the context of healthy population screening.